The following is an entry in ClinVar:

NM_006160.4(NEUROD2):c.740C>T (p.Ala247Val)

Gene: NEUROD2 (neuronal differentiation 2; minus strand). Cytogenetic location: 17q12.
Variant type: single nucleotide variant.
Coding change: c.740C>T on transcript NM_006160.4 (MANE Select); coding-DNA position 740, C replaced by T.
Protein change: p.Ala247Val; replaces alanine 247 with valine.
Molecular consequence: missense variant.
Genome position (GRCh38, 1-based): chr17:39,605,860, G>A on the plus strand (C>T on the coding strand, the complement: NEUROD2 is on the minus strand). VCF-style: chr17-39605860-G-A. GRCh37 (hg19) VCF-style: chr17-37762113-G-A.
Other names: short protein forms A247V.
Identifiers: ClinVar variation 4055983 (VCV004055983.1).

ClinVar aggregate classification (germline): Uncertain significance (1 of 4 stars; one submission).

Submission:

GeneDx
Classification: Uncertain significance. Last evaluated: 2025-01-04. Review status: criteria provided, single submitter. Criteria: GeneDx Variant Classification Process June 2021. Collection method: clinical testing. Allele origin: germline. Affected: yes.
Comment: Not observed at significant frequency in large population cohorts (gnomAD); In silico analysis indicates that this missense variant does not alter protein structure/function; Has not been previously published as pathogenic or benign to our knowledge